The following is an entry in ClinVar:

NM_004656.4(BAP1):c.587G>T (p.Trp196Leu)

Gene: BAP1 (BRCA1 associated deubiquitinase 1; minus strand). Cytogenetic location: 3p21.1.
Variant type: single nucleotide variant.
Coding change: c.587G>T on transcript NM_004656.4 (MANE Select); coding-DNA position 587, G replaced by T.
Protein change: p.Trp196Leu; replaces tryptophan 196 with leucine.
Molecular consequence: missense variant.
Genome position (GRCh38, 1-based): chr3:52,406,901, C>A on the plus strand (G>T on the coding strand, the complement: BAP1 is on the minus strand). VCF-style: chr3-52406901-C-A. GRCh37 (hg19) VCF-style: chr3-52440917-C-A.
Other names: c.587G>T, p.Trp196Leu (NM_001410772.1); short protein forms W196L.
Identifiers: ClinVar variation 1750254 (VCV001750254.3), dbSNP rs1553645725, ClinGen allele CA353109206.
Genomic context (GRCh38, chr3:52,406,901, plus strand): 5'-AGGCCGATACGCTCCATGATGACCCGCCGGGCCTTGTCTGTCCACTCCTCGTCCTCCCCC[C>A]AGGGCCCTAGTGGAGACCAAGACAAGGAATCAGCGAGAAGGAAACCCTGAGTTTGGGCAG-3'
Protein context (NP_004647.1, residues 186-206): LKVYPIDHGP[Trp196Leu]GEDEEWTDKA

ClinVar aggregate classification (germline): Uncertain significance (1 of 4 stars; one submission).

Conditions:
Hereditary cancer-predisposing syndrome. Also called: Hereditary Cancer Syndrome; Hereditary neoplastic syndrome; Neoplastic Syndromes, Hereditary; Tumor predisposition. Identifiers: Orphanet 140162, MedGen C0027672, MeSH D009386, MONDO:0015356.

Submission:

Ambry Genetics
Classification: Uncertain significance for Hereditary cancer-predisposing syndrome. Last evaluated: 2023-05-24. Review status: criteria provided, single submitter. Criteria: Ambry Variant Classification Scheme 2023. Collection method: clinical testing. Allele origin: germline.
Comment: The p.W196L variant (also known as c.587G>T), located in coding exon 8 of the BAP1 gene, results from a G to T substitution at nucleotide position 587. The tryptophan at codon 196 is replaced by leucine, an amino acid with similar properties. This amino acid position is highly conserved in available vertebrate species. In addition, the in silico prediction for this alteration is inconclusive. Since supporting evidence is limited at this time, the clinical significance of this alteration remains unclear.